The following is an entry in ClinVar:

ClinVar aggregate classification (germline): Conflicting classifications of pathogenicity. Review status: criteria provided, conflicting classifications (1 of 4 stars). 3 submissions from 3 submitters: Uncertain significance (1); Likely benign (2). Last evaluated 2026-01-06.

Conditions:
Hajdu-Cheney syndrome (HJCYS). Also called: ACROOSTEOLYSIS WITH OSTEOPOROSIS AND CHANGES IN SKULL AND MANDIBLE; SERPENTINE FIBULA-POLYCYSTIC KIDNEY SYNDROME; Acroosteolysis dominant type. Identifiers: Orphanet 955, MedGen C0917715, MONDO:0007057, OMIM 102500.
NOTCH2-related disorder. Also called: NOTCH2-related condition.

Allele frequency attached by ClinVar (database versions not stated): gnomAD exomes 0.00001 and 0.00003; ExAC 0.00002; gnomAD 0.00007; TOPMed 0.00007; ESP Exome Variant Server 0.00008; 1000 Genomes Project 30x 0.00031; 1000 Genomes Project 0.00040.
gnomAD v4.1: 19 of 1,614,136 alleles (0.0012%); highest among the groups gnomAD compares: African/African-American, 0.021%; no homozygotes.

Submissions (3):

PreventionGenetics, part of Exact Sciences
Classification: Likely benign for NOTCH2-related condition. Last evaluated: 2026-01-06. Review status: criteria provided, single submitter. Criteria: ACMG Guidelines, 2015. Collection method: clinical testing. Allele origin: germline.
Comment: This variant is classified as likely benign based on ACMG/AMP sequence variant interpretation guidelines (Richards et al. 2015 PMID: 25741868, with internal and published modifications).

Labcorp Genetics (formerly Invitae), Labcorp
Classification: Likely benign for Hajdu-Cheney syndrome. Last evaluated: 2025-08-29. Review status: criteria provided, single submitter. Criteria: Invitae Variant Classification Sherloc (09022015). Collection method: clinical testing. Allele origin: germline.

Eurofins Ntd Llc (ga)
Classification: Uncertain significance. Last evaluated: 2015-10-02. Review status: criteria provided, single submitter. Criteria: EGL Classification Definitions 2015. Collection method: clinical testing. Allele origin: germline. Observed: 1 variant allele, 1 heterozygote.

NM_024408.4(NOTCH2):c.6159C>T (p.Arg2053=)

Gene: NOTCH2 (notch receptor 2; minus strand). Cytogenetic location: 1p12.
Variant type: single nucleotide variant.
Coding change: c.6159C>T on transcript NM_024408.4 (MANE Select); coding-DNA position 6159, C replaced by T.
Protein change: p.Arg2053=; no amino-acid change (arginine 2053 retained).
Molecular consequence: synonymous variant.
Genome position (GRCh38, 1-based): chr1:119,916,563, G>A on the plus strand (C>T on the coding strand, the complement: NOTCH2 is on the minus strand). VCF-style: chr1-119916563-G-A. GRCh37 (hg19) VCF-style: chr1-120459186-G-A.
Other names: c.6159C>T (NM_024408.3).
Identifiers: ClinVar variation 283612 (VCV000283612.14), dbSNP rs143282787, ClinGen allele CA1039474.